The following is an entry in ClinVar:

NM_020207.7(ERCC6L2):c.2428G>A (p.Asp810Asn)

Gene: ERCC6L2 (ERCC excision repair 6 like 2; plus strand). Cytogenetic location: 9q22.32.
Variant type: single nucleotide variant.
Coding change: c.2428G>A on transcript NM_020207.7 (MANE Select); coding-DNA position 2428, G replaced by A.
Protein change: p.Asp810Asn; replaces aspartic acid 810 with asparagine.
Molecular consequence: missense variant. On other transcripts: non-coding transcript variant (1).
Genome position (GRCh38, 1-based): chr9:95,972,179, G>A. VCF-style: chr9-95972179-G-A. GRCh37 (hg19) VCF-style: chr9-98734461-G-A.
Other names: c.2428G>A, p.Asp810Asn (NM_001375291.1, NM_001375292.1, NM_001375293.1 and 1 more transcripts); short protein forms D810N.
Identifiers: ClinVar variation 1364787 (VCV001364787.3), dbSNP rs1241476678, ClinGen allele CA589285318.

ClinVar aggregate classification (germline): Uncertain significance (1 of 4 stars; one submission).

Allele frequency attached by ClinVar (database versions not stated): gnomAD 0.00001; gnomAD exomes 0.00002 and 0.00003; TOPMed 0.00002.
gnomAD v4.1: 6 of 1,304,128 alleles (0.00046%); highest among the groups gnomAD compares: Admixed American, 0.014%; no homozygotes.

Submission:

Labcorp Genetics (formerly Invitae), Labcorp
Classification: Uncertain significance. Last evaluated: 2021-07-22. Review status: criteria provided, single submitter. Criteria: Invitae Variant Classification Sherloc (09022015). Collection method: clinical testing. Allele origin: germline.
Comment: This sequence change replaces aspartic acid with asparagine at codon 821 of the ERCC6L2 protein (p.Asp821Asn). The aspartic acid residue is weakly conserved and there is a small physicochemical difference between aspartic acid and asparagine. The frequency data for this variant in the population databases is considered unreliable, as metrics indicate insufficient coverage at this position in the ExAC database. This variant has not been reported in the literature in individuals affected with ERCC6L2-related conditions. Algorithms developed to predict the effect of missense changes on protein structure and function are either unavailable or do not agree on the potential impact of this missense change (SIFT: "Tolerated"; PolyPhen-2: "Not Available"; Align-GVGD: "Class C0"). In summary, the available evidence is currently insufficient to determine the role of this variant in disease. Therefore, it has been classified as a Variant of Uncertain Significance.